The following is an entry in ClinVar:

NC_000015.10:g.84817064G>A

Gene: ALPK3 (alpha kinase 3; plus strand). Cytogenetic location: 15q25.3.
Variant type: single nucleotide variant.
Genome position: GRCh38 VCF-style: chr15-84817064-G-A. GRCh37 (hg19) VCF-style: chr15-85360295-G-A.
Other names: short protein forms R73Q.
Identifiers: ClinVar variation 1920398 (VCV001920398.5), dbSNP rs766559319, ClinGen allele CA7708818.

ClinVar aggregate classification (germline): Uncertain significance. Review status: criteria provided, multiple submitters, no conflicts (2 of 4 stars). 2 submissions from 2 submitters: Uncertain significance (2). Last evaluated 2025-06-07.

Conditions:
Cardiovascular phenotype. Identifiers: MedGen CN230736.

Allele frequency attached by ClinVar (database versions not stated): gnomAD exomes 0.00001; TOPMed 0.00001; ExAC 0.00005.

Submissions (2):

Ambry Genetics
Classification: Uncertain significance for Cardiovascular phenotype. Last evaluated: 2025-06-07. Review status: criteria provided, single submitter. Criteria: Ambry Variant Classification Scheme 2023. Collection method: clinical testing. Allele origin: germline.
Comment: The p.R73Q variant (also known as c.218G>A), located in coding exon 1 of the ALPK3 gene, results from a G to A substitution at nucleotide position 218. The arginine at codon 73 is replaced by glutamine, an amino acid with highly similar properties. This amino acid position is conserved. In addition, this alteration is predicted to be tolerated by in silico analysis. Based on the available evidence, the clinical significance of this variant remains unclear.

Labcorp Genetics (formerly Invitae), Labcorp
Classification: Uncertain significance. Last evaluated: 2025-05-04. Review status: criteria provided, single submitter. Criteria: Invitae Variant Classification Sherloc (09022015). Collection method: clinical testing. Allele origin: germline.
Comment: This sequence change replaces arginine, which is basic and polar, with glutamine, which is neutral and polar, at codon 73 of the ALPK3 protein (p.Arg73Gln). The frequency data for this variant in the population databases is considered unreliable, as metrics indicate poor data quality at this position in the gnomAD database. This variant has not been reported in the literature in individuals affected with ALPK3-related conditions. ClinVar contains an entry for this variant (Variation ID: 1920398). An algorithm developed to predict the effect of missense changes on protein structure and function (PolyPhen-2) suggests that this variant is likely to be tolerated. In summary, the available evidence is currently insufficient to determine the role of this variant in disease. Therefore, it has been classified as a Variant of Uncertain Significance.